The following is an entry in ClinVar:

NM_018082.6(POLR3B):c.2024C>T (p.Pro675Leu)

Gene: POLR3B (RNA polymerase III subunit B; plus strand). Cytogenetic location: 12q23.3.
Variant type: single nucleotide variant.
Coding change: c.2024C>T on transcript NM_018082.6 (MANE Select); coding-DNA position 2024, C replaced by T.
Protein change: p.Pro675Leu; replaces proline 675 with leucine.
Molecular consequence: missense variant.
Genome position (GRCh38, 1-based): chr12:106,444,531, C>T. VCF-style: chr12-106444531-C-T. GRCh37 (hg19) VCF-style: chr12-106838309-C-T.
Other names: c.1850C>T, p.Pro617Leu (NM_001160708.2); short protein forms P617L, P675L.
Identifiers: ClinVar variation 3376862 (VCV003376862.1).

ClinVar aggregate classification (germline): Uncertain significance (1 of 4 stars; one submission).

Conditions:
Charcot-Marie-Tooth disease, demyelinating, IIA 1I. Also called: CHARCOT-MARIE-TOOTH NEUROPATHY, TYPE 1I; Charcot-Marie-Tooth disease, demyelinating, type 1I. Identifiers: MedGen C5676914, MONDO:0030677, OMIM 619742.

gnomAD v4.1: 1 of 1,613,888 alleles (0.000062%); no homozygotes.

Submission:

Victorian Clinical Genetics Services, Murdoch Childrens Research Institute
Classification: Uncertain significance for Charcot-Marie-Tooth disease, demyelinating, IIA 1I. Last evaluated: 2024-09-20. Review status: criteria provided, single submitter. Criteria: ACMG Guidelines, 2015. Collection method: clinical testing. Allele origin: germline. Affected: yes.
Comment: Based on the classification scheme VCGS_Germline_v1.3.4, this variant is classified as VUS-3A. Following criteria are met: 0102 - Loss of function is a known mechanism of disease in this gene and is associated with leukodystrophy, hypomyelinating, 8, with or without oligodontia and/or hypogonadotropic hypogonadism (MIM#614381). Dominant negative is a suspected mechanism of disease for this gene and is associated with Charcot-Marie-Tooth disease, demyelinating, type 1I (MIM#619742) (PMID: 33417887). (I) 0108 - This gene is associated with both recessive and dominant disease. Leukodystrophy, hypomyelinating, 8, with or without oligodontia and/or hypogonadotropic hypogonadism has biallelic inheritance and Charcot-Marie-Tooth disease, demyelinating, type 1I has monoallelic inheritance (OMIM). (I) 0200 - Variant is predicted to result in a missense amino acid change from proline to leucine. (I) 0251 - This variant is heterozygous. (I) 0301 - Variant is absent from gnomAD (both v2 and v3). (SP) 0502 - Missense variant with conflicting in silico predictions and uninformative conservation. (I) 0600 - Variant is located in the annotated RNA polymerase Rpb2 domain 6 (DECIPHER). (I) 0705 - No comparable missense variants have previous evidence for pathogenicity. (I) 0807 - This variant has no previous evidence of pathogenicity. (I) 0905 - No published segregation evidence has been identified for this variant. (I) 1007 - No published functional evidence has been identified for this variant. (SP) Legend: (SP) - Supporting pathogenic, (I) - Information, (SB) - Supporting benign

Literature cited by the submitters: PubMed 33417887.